The following is an entry in ClinVar:

ClinVar aggregate classification (germline): Uncertain significance (1 of 4 stars; one submission).

Conditions:
Compton-North congenital myopathy (CMYO12). Identifiers: Orphanet 210163, MedGen C2675527, MONDO:0012929, OMIM 612540.

Allele frequency attached by ClinVar (database versions not stated): gnomAD 0.00001; TOPMed 0.00002; gnomAD exomes 0.00003; ExAC 0.00005; ESP Exome Variant Server 0.00008.
gnomAD v4.1: 78 of 1,593,364 alleles (0.0049%); highest among the groups gnomAD compares: Non-Finnish European, 0.0054%; no homozygotes.

Submission:

Labcorp Genetics (formerly Invitae), Labcorp
Classification: Uncertain significance for Compton-North congenital myopathy. Last evaluated: 2022-08-27. Review status: criteria provided, single submitter. Criteria: Invitae Variant Classification Sherloc (09022015). Collection method: clinical testing. Allele origin: germline.
Comment: This sequence change replaces threonine, which is neutral and polar, with methionine, which is neutral and non-polar, at codon 938 of the CNTN1 protein (p.Thr938Met). This variant is present in population databases (rs141213968, gnomAD 0.005%). This variant has not been reported in the literature in individuals affected with CNTN1-related conditions. ClinVar contains an entry for this variant (Variation ID: 839800). Advanced modeling of protein sequence and biophysical properties (such as structural, functional, and spatial information, amino acid conservation, physicochemical variation, residue mobility, and thermodynamic stability) performed at Invitae indicates that this missense variant is not expected to disrupt CNTN1 protein function. In summary, the available evidence is currently insufficient to determine the role of this variant in disease. Therefore, it has been classified as a Variant of Uncertain Significance.

NM_001843.4(CNTN1):c.2813C>T (p.Thr938Met)

Gene: CNTN1 (contactin 1; plus strand). Cytogenetic location: 12q12.
Variant type: single nucleotide variant.
Coding change: c.2813C>T on transcript NM_001843.4 (MANE Select); coding-DNA position 2813, C replaced by T.
Protein change: p.Thr938Met; replaces threonine 938 with methionine.
Molecular consequence: missense variant.
Genome position (GRCh38, 1-based): chr12:41,027,959, C>T. VCF-style: chr12-41027959-C-T. GRCh37 (hg19) VCF-style: chr12-41421761-C-T.
Other names: c.2780C>T, p.Thr927Met (NM_175038.2); short protein forms T938M, T927M.
Identifiers: ClinVar variation 839800 (VCV000839800.5), dbSNP rs141213968, ClinGen allele CA6517238.
Genomic context (GRCh38, chr12:41,027,959, plus strand): 5'-GTTCACGCTATATAATCACCTGGGATCATGTCGTTGCACTATCAAATGAATCTACAGTGA[C>T]GGGATATAAGGTATATACAAATAGTGATGATTAATGTTTGCAATTCTTGCTATTTCAGTG-3'
Protein context (NP_001834.2, residues 928-948): VVALSNESTV[Thr938Met]GYKVLYRPDG